The following is an entry in ClinVar:

NM_005321.3(H1-4):c.51G>A (p.Lys17=)

Gene: H1-4 (H1.4 linker histone, cluster member; plus strand). Cytogenetic location: 6p22.2.
Variant type: single nucleotide variant.
Coding change: c.51G>A on transcript NM_005321.3 (MANE Select); coding-DNA position 51, G replaced by A.
Protein change: p.Lys17=; no amino-acid change (lysine 17 retained).
Molecular consequence: synonymous variant.
Genome position (GRCh38, 1-based): chr6:26,156,441, G>A. VCF-style: chr6-26156441-G-A. GRCh37 (hg19) VCF-style: chr6-26156669-G-A.
Identifiers: ClinVar variation 4533911 (VCV004533911.6).
Genomic context (GRCh38, chr6:26,156,441, plus strand): 5'-TGCCTTCAACATGTCCGAGACTGCGCCTGCCGCGCCCGCTGCTCCGGCCCCTGCCGAGAA[G>A]ACTCCCGTGAAGAAGAAGGCCCGCAAGTCTGCAGGTGCGGCCAAGCGCAAAGCGTCTGGG-3'
Protein context (NP_005312.1, residues 7-27): AAPAAPAPAE[Lys17=]TPVKKKARKS

ClinVar aggregate classification (germline): Likely benign (1 of 4 stars; one submission).

gnomAD v4.1: 73 of 1,609,028 alleles (0.0045%); highest among the groups gnomAD compares: Admixed American, 0.02%; no homozygotes.

Submission:

CeGaT Center for Human Genetics Tuebingen
Classification: Likely benign. Last evaluated: 2025-11-01. Review status: criteria provided, single submitter. Criteria: CeGaT Center For Human Genetics Tuebingen Variant Classification Criteria Version 2. Collection method: clinical testing. Allele origin: germline. Affected: yes. Observed: 1 variant allele.
Comment: H1-4: BP4, BP7